The following is an entry in ClinVar:

NM_001853.4(COL9A3):c.1387G>A (p.Gly463Arg)

Genes: COL9A3 (collagen type IX alpha 3 chain; plus strand), LOC126863084 (MED14-independent group 3 enhancer GRCh37_chr20:61467141-61468340; plus strand). Cytogenetic location: 20q13.33.
Variant type: single nucleotide variant.
Coding change: c.1387G>A on transcript NM_001853.4 (MANE Select); coding-DNA position 1387, G replaced by A.
Protein change: p.Gly463Arg; replaces glycine 463 with arginine.
Molecular consequence: missense variant.
Genome position (GRCh38, 1-based): chr20:62,835,939, G>A. VCF-style: chr20-62835939-G-A. GRCh37 (hg19) VCF-style: chr20-61467291-G-A.
Other names: short protein forms G463R.
Identifiers: ClinVar variation 1254426 (VCV001254426.15), dbSNP rs776587206, ClinGen allele CA9949938.
Genomic context (GRCh38, chr20:62,835,939, plus strand): 5'-AACAATACACTTAGTTCAAACACACAACTTTTCTCTTCACAGGGTCCCAGCGGCCTGGTC[G>A]GACCCAAAGGAGAGGTGAGTGCCCGGCGACTGTTCCGATGACACCATCCATGGGCGCCTG-3'
Protein context (NP_001844.3, residues 453-473): KGELGPSGLV[Gly463Arg]PKGESGSRGE

ClinVar aggregate classification (germline): Conflicting classifications of pathogenicity. Review status: criteria provided, conflicting classifications (1 of 4 stars). 5 submissions from 5 submitters: Likely pathogenic (1); Uncertain significance (4). Last evaluated 2025-12-01.

Conditions:
COL9A3-related disorder. Also called: COL9A3-related condition.

Allele frequency attached by ClinVar (database versions not stated): gnomAD exomes below 0.00001 and 0.00001; ExAC 0.00001; gnomAD 0.00001; TOPMed 0.00001.
gnomAD v4.1: 17 of 1,614,060 alleles (0.0011%); highest among the groups gnomAD compares: African/African-American, 0.0027%; no homozygotes.

Submissions (5):

Labcorp Genetics (formerly Invitae), Labcorp
Classification: Uncertain significance. Last evaluated: 2025-12-01. Review status: criteria provided, single submitter. Criteria: Invitae Variant Classification Sherloc (09022015). Collection method: clinical testing. Allele origin: germline.
Comment: This sequence change replaces glycine, which is neutral and non-polar, with arginine, which is basic and polar, at codon 463 of the COL9A3 protein (p.Gly463Arg). This variant is present in population databases (rs776587206, gnomAD 0.0008%). This variant has not been reported in the literature in individuals affected with COL9A3-related conditions. ClinVar contains an entry for this variant (Variation ID: 1254426). Invitae Evidence Modeling of protein sequence and biophysical properties (such as structural, functional, and spatial information, amino acid conservation, physicochemical variation, residue mobility, and thermodynamic stability) indicates that this missense variant is expected to disrupt COL9A3 protein function with a positive predictive value of 95%. In summary, the available evidence is currently insufficient to determine the role of this variant in disease. Therefore, it has been classified as a Variant of Uncertain Significance.

PreventionGenetics, part of Exact Sciences
Classification: Uncertain significance for COL9A3-related condition. Last evaluated: 2024-11-15. Review status: criteria provided, single submitter. Criteria: ACMG Guidelines, 2015. Collection method: clinical testing. Allele origin: germline.
Comment: The COL9A3 c.1387G>A variant is predicted to result in the amino acid substitution p.Gly463Arg. To our knowledge, this variant has not been reported in the literature. This variant is reported in 0.00077% of alleles in individuals of European (Non-Finnish) descent in gnomAD. At this time, the clinical significance of this variant is uncertain due to the absence of conclusive functional and genetic evidence.

Revvity Omics, Revvity
Classification: Uncertain significance. Last evaluated: 2024-07-16. Review status: criteria provided, single submitter. Criteria: ACMG Guidelines, 2015. Collection method: clinical testing. Allele origin: germline.

GeneDx
Classification: Likely pathogenic. Last evaluated: 2023-11-20. Review status: criteria provided, single submitter. Criteria: GeneDx Variant Classification Process June 2021. Collection method: clinical testing. Allele origin: germline. Affected: yes.
Comment: Not observed at significant frequency in large population cohorts (gnomAD); In silico analysis supports that this missense variant has a deleterious effect on protein structure/function; Has not been previously published as pathogenic or benign to our knowledge

Blueprint Genetics
Classification: Uncertain significance. Last evaluated: 2017-06-01. Review status: criteria provided, single submitter. Criteria: ACMG Guidelines, 2015. Collection method: clinical testing. Allele origin: germline.